The following is an entry in ClinVar:

ClinVar aggregate classification (germline): Pathogenic (1 of 4 stars; one submission).

Conditions:
Methylcobalamin deficiency type cblE (HMAE). Also called: VITAMIN B12-RESPONSIVE HOMOCYSTINURIA, cblE TYPE; HOMOCYSTINURIA-MEGALOBLASTIC ANEMIA, cblE COMPLEMENTATION TYPE; HOMOCYSTINURIA-MEGALOBLASTIC ANEMIA, cblE TYPE. Identifiers: Orphanet 2169, Orphanet 622, MedGen C1856057, MONDO:0009354, OMIM 236270.

Submission:

Labcorp Genetics (formerly Invitae), Labcorp
Classification: Pathogenic for Methylcobalamin deficiency type cblE. Last evaluated: 2023-05-01. Review status: criteria provided, single submitter. Criteria: Invitae Variant Classification Sherloc (09022015). Collection method: clinical testing. Allele origin: germline.
Comment: This sequence change creates a premature translational stop signal (p.Val133Argfs*7) in the MTRR gene. It is expected to result in an absent or disrupted protein product. Loss-of-function variants in MTRR are known to be pathogenic (PMID: 15714522). This variant is not present in population databases (gnomAD no frequency). This variant has not been reported in the literature in individuals affected with MTRR-related conditions. For these reasons, this variant has been classified as Pathogenic.

Literature cited by the submitters: PubMed 15714522.

NM_002454.3(MTRR):c.397_398del (p.Val133fs)

Gene: MTRR (5-methyltetrahydrofolate-homocysteine methyltransferase reductase; plus strand). Cytogenetic location: 5p15.31.
Variant type: Microsatellite.
Coding change: c.397_398del on transcript NM_002454.3 (MANE Select); coding-DNA positions 397 to 398, 2 bases deleted (GT; older notation c.397_398delGT).
Protein change: p.Val133fs; shifts the reading frame from valine 133.
Molecular consequence: frameshift variant. On other transcripts: non-coding transcript variant (14).
Genome position (GRCh38, 1-based): chr5:7,875,371-7,875,372, GT deleted; deleting any 2 consecutive bases within chr5:7,875,368-7,875,372 gives the same sequence; the c. name uses the placement nearest the transcript's 3' end. VCF-style (leftmost placement, unchanged base first): chr5-7875367-CTG-C. GRCh37 (hg19) VCF-style: chr5-7875480-CTG-C.
Other names: c.397_398del, p.Val133fs (NM_001364440.2, NM_001364441.2, NM_001364442.2 and 1 more transcripts); short protein forms V133fs.
Identifiers: ClinVar variation 2786598 (VCV002786598.3), dbSNP rs2478743643, ClinGen allele CA2739274533.